The following is an entry in ClinVar:

NM_001374828.1(ARID1B):c.4474C>T (p.Gln1492Ter)

Gene: ARID1B (AT-rich interaction domain 1B; plus strand). Cytogenetic location: 6q25.3.
Variant type: single nucleotide variant.
Coding change: c.4474C>T on transcript NM_001374828.1 (MANE Select); coding-DNA position 4474, C replaced by T.
Protein change: p.Gln1492Ter; replaces glutamine 1492 with a stop codon.
Molecular consequence: nonsense.
Genome position (GRCh38, 1-based): chr6:157,198,902, C>T. VCF-style: chr6-157198902-C-T. GRCh37 (hg19) VCF-style: chr6-157520036-C-T.
Other names: c.4105C>T, p.Gln1369Ter (NM_020732.3); c.1975C>T, p.Gln659Ter (NM_001363725.2); c.4354C>T, p.Gln1452Ter (NM_001371656.1, NM_001374820.1); c.4315C>T, p.Gln1439Ter (NM_017519.3); short protein forms Q1369*, Q659*, Q1439*, Q1452*, Q1492*.
Identifiers: ClinVar variation 620327 (VCV000620327.2), dbSNP rs1554235028, ClinGen allele CA366239902.

ClinVar aggregate classification (germline): Pathogenic. Review status: criteria provided, multiple submitters, no conflicts (2 of 4 stars). 2 submissions from 2 submitters: Pathogenic (2). Last evaluated 2018-09-05.

Conditions:
Coffin-Siris syndrome 1 (CSS1). Also called: ARID1B-Related Coffin-Siris Syndrome; Mental retardation, autosomal dominant 12. Identifiers: Orphanet 1465, MedGen C3281201, MONDO:0007617, OMIM 135900. Disease mechanism: gain of function.

Submissions (2):

GeneDx
Classification: Pathogenic. Last evaluated: 2018-09-05. Review status: criteria provided, single submitter. Criteria: GeneDx Variant Classification (06012015). Collection method: clinical testing. Allele origin: germline. Affected: yes.
Comment: The Q1369X variant in the ARID1B gene has not been reported previously as a pathogenic variant nor as a benign variant, to our knowledge. This variant is predicted to cause loss of normal protein function either through protein truncation or nonsense-mediated mRNA decay. The Q1369X variant is not observed in large population cohorts (Lek et al., 2016). We interpret Q1369X as a pathogenic variant.

Clinical Genetics Service, Universitary Hospital 12 de Octubre
Classification: Pathogenic for Coffin-Siris syndrome 1. Review status: criteria provided, single submitter. Criteria: ACMG Guidelines, 2015. Collection method: clinical testing. Allele origin: de novo. Affected: yes.